The following is an entry in ClinVar:

NM_032043.3(BRIP1):c.1978C>T (p.Leu660Phe)

Gene: BRIP1 (BRCA1 interacting DNA helicase 1; minus strand). Cytogenetic location: 17q23.2.
Variant type: single nucleotide variant.
Coding change: c.1978C>T on transcript NM_032043.3 (MANE Select); coding-DNA position 1978, C replaced by T.
Protein change: p.Leu660Phe; replaces leucine 660 with phenylalanine.
Molecular consequence: missense variant.
Genome position (GRCh38, 1-based): chr17:61,776,520, G>A on the plus strand (C>T on the coding strand, the complement: BRIP1 is on the minus strand). VCF-style: chr17-61776520-G-A. GRCh37 (hg19) VCF-style: chr17-59853881-G-A.
Other names: short protein forms L660F.
Identifiers: ClinVar variation 407820 (VCV000407820.21), dbSNP rs1060501746, ClinGen allele CA16615484.

ClinVar aggregate classification (germline): Uncertain significance. Review status: criteria provided, multiple submitters, no conflicts (2 of 4 stars). 5 submissions from 5 submitters: Uncertain significance (5). Last evaluated 2025-04-21.

Conditions:
Hereditary cancer-predisposing syndrome. Also called: Neoplastic Syndromes, Hereditary; Tumor predisposition; Hereditary Cancer Syndrome; Hereditary neoplastic syndrome. Identifiers: Orphanet 140162, MedGen C0027672, MeSH D009386, MONDO:0015356.
Familial cancer of breast. Also called: hereditary breast carcinoma; BREAST CANCER, FAMILIAL; Hereditary breast cancer. Identifiers: Orphanet 227535, MedGen C0346153, MONDO:0016419, OMIM 114480. Disease mechanism: loss of function.
Fanconi anemia complementation group J. Also called: BRIP1-Related Fanconi Anemia. Identifiers: Orphanet 84, MedGen C1836860, MONDO:0012187, OMIM 609054.

Submissions (5):

Color Diagnostics, LLC DBA Color Health
Classification: Uncertain significance for Hereditary cancer-predisposing syndrome. Last evaluated: 2025-04-21. Review status: criteria provided, single submitter. Criteria: ACMG Guidelines, 2015. Collection method: clinical testing. Allele origin: germline.
Comment: This missense variant replaces leucine with phenylalanine at codon 660 of the BRIP1 protein. Computational prediction is inconclusive regarding the impact of this variant on protein structure and function. To our knowledge, functional studies have not been reported for this variant. This variant has not been reported in individuals affected with BRIP1-related disorders in the literature. This variant has not been identified in the general population by the Genome Aggregation Database (gnomAD). The available evidence is insufficient to determine the role of this variant in disease conclusively. Therefore, this variant is classified as a Variant of Uncertain Significance.

Ambry Genetics
Classification: Uncertain significance for Hereditary cancer-predisposing syndrome. Last evaluated: 2025-03-20. Review status: criteria provided, single submitter. Criteria: Ambry Variant Classification Scheme 2023. Collection method: clinical testing. Allele origin: germline.
Comment: The p.L660F variant (also known as c.1978C>T), located in coding exon 13 of the BRIP1 gene, results from a C to T substitution at nucleotide position 1978. The leucine at codon 660 is replaced by phenylalanine, an amino acid with highly similar properties. This amino acid position is conserved. In addition, the in silico prediction for this alteration is inconclusive. Since supporting evidence is limited at this time, the clinical significance of this alteration remains unclear.

Labcorp Genetics (formerly Invitae), Labcorp
Classification: Uncertain significance for Familial cancer of breast; Fanconi anemia complementation group J. Last evaluated: 2024-12-03. Review status: criteria provided, single submitter. Criteria: Invitae Variant Classification Sherloc (09022015). Collection method: clinical testing. Allele origin: germline.
Comment: This sequence change replaces leucine, which is neutral and non-polar, with phenylalanine, which is neutral and non-polar, at codon 660 of the BRIP1 protein (p.Leu660Phe). This variant is not present in population databases (gnomAD no frequency). This variant has not been reported in the literature in individuals affected with BRIP1-related conditions. ClinVar contains an entry for this variant (Variation ID: 407820). Invitae Evidence Modeling of protein sequence and biophysical properties (such as structural, functional, and spatial information, amino acid conservation, physicochemical variation, residue mobility, and thermodynamic stability) has been performed for this missense variant. However, the output from this modeling did not meet the statistical confidence thresholds required to predict the impact of this variant on BRIP1 protein function. In summary, the available evidence is currently insufficient to determine the role of this variant in disease. Therefore, it has been classified as a Variant of Uncertain Significance.

Blueprint Genetics
Classification: Uncertain significance. Last evaluated: 2024-09-05. Review status: criteria provided, single submitter. Criteria: ACMG Guidelines, 2015. Collection method: clinical testing. Allele origin: germline.

Baylor Genetics
Classification: Uncertain significance for Familial cancer of breast. Last evaluated: 2023-06-02. Review status: criteria provided, single submitter. Criteria: ACMG Guidelines, 2015. Collection method: clinical testing. Allele origin: unknown.